The following is an entry in ClinVar:

ClinVar aggregate classification (germline): Pathogenic (1 of 4 stars; one submission).

Conditions:
Fabry disease. Also called: ALPHA-GALACTOSIDASE A DEFICIENCY; ANDERSON-FABRY DISEASE; CERAMIDE TRIHEXOSIDASE DEFICIENCY; GLA DEFICIENCY; HEREDITARY DYSTOPIC LIPIDOSIS; Angiokeratoma corporis diffusum. Identifiers: Orphanet 324, MedGen C0002986, MONDO:0010526, OMIM 301500, HP:0001071. Disease mechanism: Fabry disease is due to inactivating mutations in the X-linked GLA gene resulting in deficiency of the enzyme Alpha Galactosidase-A., loss of function.

Submission:

Genomenon, Inc
Classification: Pathogenic for Fabry disease. Last evaluated: 2026-09-08. Review status: criteria provided, single submitter. Criteria: Genomenon Sequence Variant Interpretation Standards - Updated. Collection method: curation. Allele origin: germline. Affected: yes.
Comment: GLA p.Tyr173Ter (c.519C>A) is a nonsense variant that introduces a premature stop codon at amino acid position 173 and is predicted to result in a truncated or absent protein product. This variant has been observed in at least one proband with clinical features consistent with Fabry disease (PMID:16595074;23307880;30988410). The variant was found to segregate with disease in at least one affected family (PMID:23307880). Functional or patient cell studies have been reported (PMID:23307880). It is absent or not present at a significant frequency in gnomAD. In conclusion, we classify GLA p.Tyr173Ter (c.519C>A) as a pathogenic variant.

Literature cited by the submitters: PubMed 16595074; PubMed 23307880; PubMed 30988410.

NM_000169.3(GLA):c.519C>A (p.Tyr173Ter)

Genes: GLA (galactosidase alpha; minus strand), RPL36A-HNRNPH2 (RPL36A-HNRNPH2 readthrough; plus strand). Cytogenetic location: Xq22.1.
Variant type: single nucleotide variant.
Coding change: c.519C>A on transcript NM_000169.3 (MANE Select); coding-DNA position 519, C replaced by A.
Protein change: p.Tyr173Ter; replaces tyrosine 173 with a stop codon.
Molecular consequence: nonsense. On other transcripts: non-coding transcript variant (3), intron variant (2).
Genome position (GRCh38, 1-based): chrX:101,401,660, G>T on the plus strand (C>A on the coding strand, the complement: GLA is on the minus strand). VCF-style: chrX-101401660-G-T. GRCh37 (hg19) VCF-style: chrX-100656648-G-T.
Other names: c.642C>A, p.Tyr214Ter (NM_001406747.1, NM_001406749.1); c.519C>A, p.Tyr173Ter (NM_001406748.1); c.300+6203G>T (NM_001199973.2); c.177+9838G>T (NM_001199974.2); short protein forms Y173*, Y214*.
Identifiers: ClinVar variation 4087161 (VCV004087161.2).